The following is an entry in ClinVar:

NM_003458.4(BSN):c.853A>G (p.Thr285Ala)

Gene: BSN (bassoon presynaptic cytomatrix protein; plus strand). Cytogenetic location: 3p21.31.
Variant type: single nucleotide variant.
Coding change: c.853A>G on transcript NM_003458.4 (MANE Select); coding-DNA position 853, A replaced by G.
Protein change: p.Thr285Ala; replaces threonine 285 with alanine.
Molecular consequence: missense variant.
Genome position (GRCh38, 1-based): chr3:49,642,487, A>G. VCF-style: chr3-49642487-A-G. GRCh37 (hg19) VCF-style: chr3-49679920-A-G.
Other names: short protein forms T285A.
Identifiers: ClinVar variation 2268945 (VCV002268945.4), dbSNP rs771441917, ClinGen allele CA2399480.
Genomic context (GRCh38, chr3:49,642,487, plus strand): 5'-AGATCTCGGGGCCCAGGAGGACCACAGCCTGGGTCCCGCCAGGCTGAGACAGCCAGGGCC[A>G]CCTCAGTGCCGGGGCCTGCCCAAGCAGCTGCCCCTCCAGAGGTGGGGAGGGTGTCTCCTC-3'
Protein context (NP_003449.2, residues 275-295): GSRQAETARA[Thr285Ala]SVPGPAQAAA

ClinVar aggregate classification (germline): Uncertain significance. Review status: criteria provided, multiple submitters, no conflicts (2 of 4 stars). 2 submissions from 2 submitters: Uncertain significance (2). Last evaluated 2025-06-04.

Allele frequency attached by ClinVar (database versions not stated): gnomAD exomes 0.00003; TOPMed 0.00003; gnomAD 0.00004; ExAC 0.00006.
gnomAD v4.1: 50 of 1,575,694 alleles (0.0032%); highest among the groups gnomAD compares: Middle Eastern, 0.017%; no homozygotes.

Submissions (2):

Labcorp Genetics (formerly Invitae), Labcorp
Classification: Uncertain significance. Last evaluated: 2025-06-04. Review status: criteria provided, single submitter. Criteria: Invitae Variant Classification Sherloc (09022015). Collection method: clinical testing. Allele origin: germline.
Comment: This sequence change replaces threonine, which is neutral and polar, with alanine, which is neutral and non-polar, at codon 285 of the BSN protein (p.Thr285Ala). This variant is present in population databases (rs771441917, gnomAD 0.007%). This variant has not been reported in the literature in individuals affected with BSN-related conditions. ClinVar contains an entry for this variant (Variation ID: 2268945). Experimental studies and prediction algorithms are not available or were not evaluated, and the functional significance of this variant is currently unknown. In summary, the available evidence is currently insufficient to determine the role of this variant in disease. Therefore, it has been classified as a Variant of Uncertain Significance.

Ambry Genetics
Classification: Uncertain significance. Last evaluated: 2024-08-07. Review status: criteria provided, single submitter. Criteria: Ambry Variant Classification Scheme 2023. Collection method: clinical testing. Allele origin: germline.